The following is an entry in ClinVar:

NM_006899.5(IDH3B):c.794A>T (p.Asp265Val)

Gene: IDH3B (isocitrate dehydrogenase (NAD(+)) 3 non-catalytic subunit beta; minus strand). Cytogenetic location: 20p13.
Variant type: single nucleotide variant.
Coding change: c.794A>T on transcript NM_006899.5 (MANE Select); coding-DNA position 794, A replaced by T.
Protein change: p.Asp265Val; replaces aspartic acid 265 with valine.
Molecular consequence: missense variant. On other transcripts: non-coding transcript variant (1).
Genome position (GRCh38, 1-based): chr20:2,660,151, T>A on the plus strand (A>T on the coding strand, the complement: IDH3B is on the minus strand). VCF-style: chr20-2660151-T-A. GRCh37 (hg19) VCF-style: chr20-2640797-T-A.
Other names: c.794A>T, p.Asp265Val (NM_001258384.3, NM_001330763.2, NM_174855.4); short protein forms D265V.
Identifiers: ClinVar variation 2862234 (VCV002862234.3), dbSNP rs2514758554, ClinGen allele CA408035772.

ClinVar aggregate classification (germline): Uncertain significance (1 of 4 stars; one submission).

Submission:

Labcorp Genetics (formerly Invitae), Labcorp
Classification: Uncertain significance. Last evaluated: 2023-05-05. Review status: criteria provided, single submitter. Criteria: Invitae Variant Classification Sherloc (09022015). Collection method: clinical testing. Allele origin: germline.
Comment: In summary, the available evidence is currently insufficient to determine the role of this variant in disease. Therefore, it has been classified as a Variant of Uncertain Significance. Advanced modeling of protein sequence and biophysical properties (such as structural, functional, and spatial information, amino acid conservation, physicochemical variation, residue mobility, and thermodynamic stability) performed at Invitae indicates that this missense variant is expected to disrupt IDH3B protein function. This variant has not been reported in the literature in individuals affected with IDH3B-related conditions. This variant is not present in population databases (gnomAD no frequency). This sequence change replaces aspartic acid, which is acidic and polar, with valine, which is neutral and non-polar, at codon 265 of the IDH3B protein (p.Asp265Val).